The following is an entry in ClinVar:

NM_004168.4(SDHA):c.1321G>C (p.Ala441Pro)

Gene: SDHA (succinate dehydrogenase complex flavoprotein subunit A; plus strand). Cytogenetic location: 5p15.33.
Variant type: single nucleotide variant.
Coding change: c.1321G>C on transcript NM_004168.4 (MANE Select); coding-DNA position 1321, G replaced by C.
Protein change: p.Ala441Pro; replaces alanine 441 with proline.
Molecular consequence: missense variant.
Genome position (GRCh38, 1-based): chr5:236,488, G>C. VCF-style: chr5-236488-G-C. GRCh37 (hg19) VCF-style: chr5-236603-G-C.
Other names: c.1177G>C, p.Ala393Pro (NM_001294332.2); c.1321G>C, p.Ala441Pro (NM_001330758.2); short protein forms A393P, A441P.
Identifiers: ClinVar variation 1719291 (VCV001719291.6), dbSNP rs2126589776, ClinGen allele CA359013924.

ClinVar aggregate classification (germline): Uncertain significance (1 of 4 stars; one submission).

Conditions:
Mitochondrial complex II deficiency, nuclear type 1. Also called: SUCCINATE CoQ REDUCTASE DEFICIENCY. Identifiers: Orphanet 3208, MedGen C5700310, MONDO:0100294, OMIM 252011.
Pheochromocytoma/paraganglioma syndrome 5. Also called: Paragangliomas 5; SDHA-Related Hereditary Paraganglioma-Pheochromocytoma Syndrome. Identifiers: Orphanet 29072, MedGen C3279992, MONDO:0013602, OMIM 614165.

Submission:

Labcorp Genetics (formerly Invitae), Labcorp
Classification: Uncertain significance for Pheochromocytoma/paraganglioma syndrome 5; Mitochondrial complex II deficiency, nuclear type 1. Last evaluated: 2022-09-13. Review status: criteria provided, single submitter. Criteria: Invitae Variant Classification Sherloc (09022015). Collection method: clinical testing. Allele origin: germline.
Comment: In summary, the available evidence is currently insufficient to determine the role of this variant in disease. Therefore, it has been classified as a Variant of Uncertain Significance. Advanced modeling of protein sequence and biophysical properties (such as structural, functional, and spatial information, amino acid conservation, physicochemical variation, residue mobility, and thermodynamic stability) has been performed at Invitae for this missense variant, however the output from this modeling did not meet the statistical confidence thresholds required to predict the impact of this variant on SDHA protein function. This variant has not been reported in the literature in individuals affected with SDHA-related conditions. This variant is not present in population databases (gnomAD no frequency). This sequence change replaces alanine, which is neutral and non-polar, with proline, which is neutral and non-polar, at codon 441 of the SDHA protein (p.Ala441Pro).